The following is an entry in ClinVar:

NC_000001.11:g.17018697_17018722delinsTTGGGGCAAGTAAAGGAACAGGTTC

Gene: SDHB (succinate dehydrogenase complex iron sulfur subunit B; minus strand). Cytogenetic location: 1p36.13.
Variant type: Indel.
Genome position: GRCh38: chr1:17,018,697-17,018,722. GRCh37 (hg19): chr1:17,345,192-17,345,217.
Identifiers: ClinVar variation 165178 (VCV000165178.7), dbSNP rs727503414, ClinGen allele CA177896.
Genomic context (GRCh38, chr1:17,018,697, plus strand): 5'-CAGCTCTGAAGCCCTGTCCATCTCTCCAAGGACAAGGACTCCTGGCACCTTCACATTCCC[CTGCGGCAAGTAAAGGAACAGGTTCT>TTGGGGCAAGTAAAGGAACAGGTTC]TTTTTTTTTGTTAATAAAGTAGAATAACATTTATTTCTTAAAATTTTTATTATACATGCT-3'

ClinVar aggregate classification (germline): Uncertain significance (1 of 4 stars; one submission).

Submission:

Laboratory for Molecular Medicine, Mass General Brigham Personalized Medicine
Classification: Uncertain significance. Last evaluated: 2024-02-27. Review status: criteria provided, single submitter. Criteria: ACMG Guidelines, 2015. Collection method: clinical testing. Allele origin: germline.
Comment: The c.*159_*184delins25 variant in SDHB has been identified in >10 individuals with pheochromocytomas, paragangliomas, or GIST, 7 of whom carried a second variant sufficient to explain disease (Hernandez 2015 PMID 25800244, LMM data). Data from large population studies is insufficient to assess the frequency of this variant. This variant is located in the 3' untranslated region (3' UTR) and while this region may contain important regulatory sequences, no pathogenic variants in the SDHB gene have been reported in this region. In summary, while the clinical significance of the c.*159_*184delins25 variant is uncertain, these data suggest that it is more likely to be benign. ACMG/AMP criteria applied: BP5

Literature cited by the submitters: PubMed 25800244.